The following is an entry in ClinVar:

NM_033056.4(PCDH15):c.4485A>G (p.Ser1495=)

Gene: PCDH15 (protocadherin related 15; minus strand). Cytogenetic location: 10q21.1.
Variant type: single nucleotide variant.
Coding change: c.4485A>G on transcript NM_033056.4 (MANE Plus Clinical); coding-DNA position 4485, A replaced by G.
Protein change: p.Ser1495=; no amino-acid change (serine 1495 retained).
Molecular consequence: synonymous variant. On other transcripts: intron variant (8).
Genome position (GRCh38, 1-based): chr10:53,823,241, T>C on the plus strand (A>G on the coding strand, the complement: PCDH15 is on the minus strand). VCF-style: chr10-53823241-T-C. GRCh37 (hg19) VCF-style: chr10-55583001-T-C.
Other names: c.4506A>G, p.Ser1502= (NM_001142763.2); c.4491A>G, p.Ser1497= (NM_001142764.2); c.4278A>G, p.Ser1426= (NM_001142765.2); c.4476A>G, p.Ser1492= (NM_001142766.2); c.4365A>G, p.Ser1455= (NM_001142767.2); c.4425A>G, p.Ser1475= (NM_001142768.2); c.4416A>G, p.Ser1472= (NM_001142773.2); c.4419A>G, p.Ser1473= (NM_001354404.2); and 6 more.
Identifiers: ClinVar variation 713242 (VCV000713242.13), dbSNP rs772650866, ClinGen allele CA5505267.

ClinVar aggregate classification (germline): Likely benign. Review status: criteria provided, multiple submitters, no conflicts (2 of 4 stars). 4 submissions from 4 submitters: Likely benign (3). 1 of the submissions does not count toward it. Last evaluated 2026-02-25.

Conditions:
Usher syndrome type 1F (USH1F). Also called: USHER SYNDROME, TYPE IF. Identifiers: Orphanet 231169, Orphanet 886, MedGen C1865885, MONDO:0011186, OMIM 602083.
PCDH15-related disorder. Also called: PCDH15-related disorders; PCDH15-related condition.

Allele frequency attached by ClinVar (database versions not stated): gnomAD 0.00007 and 0.00011; TOPMed 0.00011; ExAC 0.00013.
gnomAD v4.1: 112 of 1,614,088 alleles (0.0069%); highest among the groups gnomAD compares: East Asian, 0.23%; no homozygotes.

Submissions (4):

PreventionGenetics, part of Exact Sciences
Classification: Likely benign for PCDH15-related condition. Last evaluated: 2026-02-25. Review status: criteria provided, single submitter. Criteria: ACMG Guidelines, 2015. Collection method: clinical testing. Allele origin: germline.
Comment: This variant is classified as likely benign based on ACMG/AMP sequence variant interpretation guidelines (Richards et al. 2015 PMID: 25741868, with internal and published modifications).

Labcorp Genetics (formerly Invitae), Labcorp
Classification: Likely benign. Last evaluated: 2026-01-19. Review status: criteria provided, single submitter. Criteria: Invitae Variant Classification Sherloc (09022015). Collection method: clinical testing. Allele origin: germline.

Blueprint Genetics
Classification: Likely benign. Last evaluated: 2024-10-07. Review status: criteria provided, single submitter. Criteria: ACMG Guidelines, 2015. Collection method: clinical testing. Allele origin: germline.

Natera, Inc.
Classification: Likely benign for Usher syndrome type 1F. Last evaluated: 2020-01-31. Review status: no assertion criteria provided. Collection method: clinical testing. Allele origin: germline. Not counted in ClinVar's aggregate classification.